The following is an entry in ClinVar:

ClinVar aggregate classification (germline): Uncertain significance (1 of 4 stars; one submission).

Conditions:
Sialuria. Also called: Sialic Acid Storage Disease; SIALURIA, FRENCH TYPE. Identifiers: Orphanet 3166, MedGen C0342853, MONDO:0010028, OMIM 269921.
GNE myopathy (NM). Also called: INCLUSION BODY MYOPATHY, HEREDITARY, AUTOSOMAL RECESSIVE; INCLUSION BODY MYOPATHY 2, AUTOSOMAL RECESSIVE; MYOPATHY, DISTAL, WITH OR WITHOUT RIMMED VACUOLES; Inclusion body myopathy quadriceps sparing; IBM 2; Inclusion body myopathy autosomal recessive. Identifiers: Orphanet 602, MedGen C1853926, MONDO:0011603, OMIM 605820.

Allele frequency attached by ClinVar (database versions not stated): gnomAD exomes below 0.00001.
gnomAD v4.1: 2 of 1,594,194 alleles (0.00013%); highest among the groups gnomAD compares: African/African-American, 0.0027%; no homozygotes.

Submission:

Labcorp Genetics (formerly Invitae), Labcorp
Classification: Uncertain significance for Sialuria; GNE myopathy. Last evaluated: 2023-09-21. Review status: criteria provided, single submitter. Criteria: Invitae Variant Classification Sherloc (09022015). Collection method: clinical testing. Allele origin: germline.
Comment: This variant has not been reported in the literature in individuals affected with GNE-related conditions. This variant is present in population databases (no rsID available, gnomAD 0.01%). This sequence change replaces isoleucine, which is neutral and non-polar, with leucine, which is neutral and non-polar, at codon 391 of the GNE protein (p.Ile391Leu). Advanced modeling of protein sequence and biophysical properties (such as structural, functional, and spatial information, amino acid conservation, physicochemical variation, residue mobility, and thermodynamic stability) has been performed at Invitae for this missense variant, however the output from this modeling did not meet the statistical confidence thresholds required to predict the impact of this variant on GNE protein function. In summary, the available evidence is currently insufficient to determine the role of this variant in disease. Therefore, it has been classified as a Variant of Uncertain Significance.

NM_005476.7(GNE):c.1078A>T (p.Ile360Leu)

Gene: GNE (glucosamine (UDP-N-acetyl)-2-epimerase/N-acetylmannosamine kinase; minus strand). Cytogenetic location: 9p13.3.
Variant type: single nucleotide variant.
Coding change: c.1078A>T on transcript NM_005476.7 (MANE Select); coding-DNA position 1078, A replaced by T.
Protein change: p.Ile360Leu; replaces isoleucine 360 with leucine.
Molecular consequence: missense variant.
Genome position (GRCh38, 1-based): chr9:36,227,451, T>A on the plus strand (A>T on the coding strand, the complement: GNE is on the minus strand). VCF-style: chr9-36227451-T-A. GRCh37 (hg19) VCF-style: chr9-36227448-T-A.
Other names: c.1171A>T, p.Ile391Leu (NM_001128227.3); c.1078A>T, p.Ile360Leu (NM_001190383.3); c.748A>T, p.Ile250Leu (NM_001190384.3); c.901A>T, p.Ile301Leu (NM_001190388.2, NM_001374798.1); c.925A>T, p.Ile309Leu (NM_001374797.1); short protein forms I309L, I250L, I301L, I391L, I360L.
Identifiers: ClinVar variation 2951930 (VCV002951930.3), dbSNP rs1422424029, ClinGen allele CA373429229.